The following is an entry in ClinVar:

NM_001376571.1(MADD):c.1291-2A>G

Gene: MADD (MAP kinase activating death domain; plus strand). Cytogenetic location: 11p11.2.
Variant type: single nucleotide variant.
Coding change: c.1291-2A>G on transcript NM_001376571.1 (MANE Select); the canonical splice acceptor site of the intron before coding-DNA position 1291, A replaced by G.
Molecular consequence: splice acceptor variant.
Genome position (GRCh38, 1-based): chr11:47,281,573, A>G. VCF-style: chr11-47281573-A-G. GRCh37 (hg19) VCF-style: chr11-47303124-A-G.
Other names: c.1291-2A>G (NM_001376651.1, NM_130470.3, NM_001376641.1 and 80 more transcripts); c.1087-2A>G (NM_001376648.1, NM_001376620.1, NM_001376626.1 and 9 more transcripts); c.625-2A>G (NM_001376663.1).
Identifiers: ClinVar variation 1334664 (VCV001334664.4), dbSNP rs756420276, ClinGen allele CA5974099.

ClinVar aggregate classification (germline): Likely pathogenic (1 of 4 stars; one submission).

Conditions:
Neurodevelopmental disorder with dysmorphic facies, impaired speech, and hypotonia. Identifiers: MedGen C5436585, MONDO:0033562, OMIM 619005.
Deeah syndrome. Also called: DEVELOPMENTAL DELAY WITH ENDOCRINE, EXOCRINE, AUTONOMIC, AND HEMATOLOGIC ABNORMALITIES. Identifiers: Orphanet 686495, MedGen C5436579, MONDO:0033561, OMIM 619004.

Allele frequency attached by ClinVar (database versions not stated): gnomAD exomes below 0.00001; ExAC 0.00001.
gnomAD v4.1: 4 of 1,593,840 alleles (0.00025%); highest among the groups gnomAD compares: Non-Finnish European, 0.00034%; no homozygotes.

Submission:

Greenwood Genetic Center Diagnostic Laboratories, Greenwood Genetic Center
Classification: Likely pathogenic for Deeah syndrome; Neurodevelopmental disorder with dysmorphic facies, impaired speech, and hypotonia. Last evaluated: 2021-11-17. Review status: criteria provided, single submitter. Criteria: ACMG Guidelines, 2015. Collection method: clinical testing. Allele origin: germline. Affected: yes.
Comment: PVS1, PM2